The following is an entry in ClinVar:

ClinVar aggregate classification (germline): Likely benign (1 of 4 stars; one submission).

gnomAD v4.1: 37 of 1,613,956 alleles (0.0023%); highest among the groups gnomAD compares: Admixed American, 0.038%; no homozygotes.

Submission:

CeGaT Center for Human Genetics Tuebingen
Classification: Likely benign. Last evaluated: 2026-05-01. Review status: criteria provided, single submitter. Criteria: CeGaT Center For Human Genetics Tuebingen Variant Classification Criteria Version 2. Collection method: clinical testing. Allele origin: germline. Affected: yes. Observed: 1 variant allele.
Comment: QRICH1: BP4, BP7

NM_198880.3(QRICH1):c.1266G>A (p.Pro422=)

Gene: QRICH1 (glutamine rich 1; minus strand). Cytogenetic location: 3p21.31.
Variant type: single nucleotide variant.
Coding change: c.1266G>A on transcript NM_198880.3 (MANE Select); coding-DNA position 1266, G replaced by A.
Protein change: p.Pro422=; no amino-acid change (proline 422 retained).
Molecular consequence: synonymous variant.
Genome position (GRCh38, 1-based): chr3:49,056,934, C>T on the plus strand (G>A on the coding strand, the complement: QRICH1 is on the minus strand). VCF-style: chr3-49056934-C-T. GRCh37 (hg19) VCF-style: chr3-49094367-C-T.
Other names: c.1266G>A, p.Pro422= (NM_001320580.2, NM_001320581.2, NM_001320582.2 and 4 more transcripts).
Identifiers: ClinVar variation 4872307 (VCV004872307.2).